The following is an entry in ClinVar:

ClinVar aggregate classification (germline): Uncertain significance (1 of 4 stars; one submission).

Conditions:
Epidermolysis bullosa simplex with nail dystrophy (EBS5D). Identifiers: MedGen C4225309, MONDO:0014661, OMIM 616487.
Epidermolysis bullosa simplex 5B, with muscular dystrophy (EBS5B). Also called: EPIDERMOLYSIS BULLOSA SIMPLEX AND LIMB-GIRDLE MUSCULAR DYSTROPHY; Epidermolysis bullosa simplex with muscular dystrophy. Identifiers: Orphanet 257, MedGen C2931072, MONDO:0009181, OMIM 226670.
Epidermolysis bullosa simplex, Ogna type (EBS5A). Also called: Pidermolysis bullosa simplex 5A, Ogna type; EPIDERMOLYSIS BULLOSA SIMPLEX 5A, OGNA TYPE. Identifiers: Orphanet 79401, MedGen C0432317, MONDO:0007555, OMIM 131950.
Epidermolysis bullosa simplex 5C, with pyloric atresia (EBS5C). Also called: PLEC-Related Epidermolysis Bullosa with Pyloric Atresia; Epidermolysis bullosa simplex with pyloric atresia; PLEC1-Related Epidermolysis Bullosa with Pyloric Atresia. Identifiers: Orphanet 158684, MedGen C2677349, MONDO:0012807, OMIM 612138.
Autosomal recessive limb-girdle muscular dystrophy type 2Q (LGMDR17). Also called: MUSCULAR DYSTROPHY, LIMB-GIRDLE, AUTOSOMAL RECESSIVE 17. Identifiers: Orphanet 254361, MedGen C3150989, MONDO:0013390, OMIM 613723.

Allele frequency attached by ClinVar (database versions not stated): gnomAD below 0.00001 and 0.00001; gnomAD exomes below 0.00001.
gnomAD v4.1: 54 of 1,612,456 alleles (0.0033%); highest among the groups gnomAD compares: Non-Finnish European, 0.0044%; no homozygotes.

Submission:

Labcorp Genetics (formerly Invitae), Labcorp
Classification: Uncertain significance for Autosomal recessive limb-girdle muscular dystrophy type 2Q; Epidermolysis bullosa simplex, Ogna type; Epidermolysis bullosa simplex with nail dystrophy; Epidermolysis bullosa simplex 5C, with pyloric atresia; Epidermolysis bullosa simplex 5B, with muscular dystrophy. Last evaluated: 2023-11-19. Review status: criteria provided, single submitter. Criteria: Invitae Variant Classification Sherloc (09022015). Collection method: clinical testing. Allele origin: germline.
Comment: This sequence change replaces arginine, which is basic and polar, with glutamine, which is neutral and polar, at codon 407 of the PLEC protein (p.Arg407Gln). This variant is present in population databases (no rsID available, gnomAD 0.0009%). This variant has not been reported in the literature in individuals affected with PLEC-related conditions. ClinVar contains an entry for this variant (Variation ID: 1024850). Advanced modeling of protein sequence and biophysical properties (such as structural, functional, and spatial information, amino acid conservation, physicochemical variation, residue mobility, and thermodynamic stability) performed at Invitae indicates that this missense variant is not expected to disrupt PLEC protein function with a negative predictive value of 80%. In summary, the available evidence is currently insufficient to determine the role of this variant in disease. Therefore, it has been classified as a Variant of Uncertain Significance.

NM_201384.3(PLEC):c.1139G>A (p.Arg380Gln)

Gene: PLEC (plectin; minus strand). Cytogenetic location: 8q24.3.
Variant type: single nucleotide variant.
Coding change: c.1139G>A on transcript NM_201384.3 (MANE Select); coding-DNA position 1139, G replaced by A.
Protein change: p.Arg380Gln; replaces arginine 380 with glutamine.
Molecular consequence: missense variant.
Genome position (GRCh38, 1-based): chr8:143,934,348, C>T on the plus strand (G>A on the coding strand, the complement: PLEC is on the minus strand). VCF-style: chr8-143934348-C-T. GRCh37 (hg19) VCF-style: chr8-145008516-C-T.
Other names: c.1220G>A, p.Arg407Gln (NM_000445.5); c.1097G>A, p.Arg366Gln (NM_201378.4); c.1073G>A, p.Arg358Gln (NM_201379.3); c.1550G>A, p.Arg517Gln (NM_201380.4); c.1043G>A, p.Arg348Gln (NM_201381.3); c.1139G>A, p.Arg380Gln (NM_201382.4); c.1151G>A, p.Arg384Gln (NM_201383.3); short protein forms R348Q, R358Q, R366Q, R380Q, R384Q, R407Q, R517Q.
Identifiers: ClinVar variation 1024850 (VCV001024850.5), dbSNP rs1410648446, ClinGen allele CA372584612.